The following is an entry in ClinVar:

NM_003036.4(SKI):c.154G>A (p.Ala52Thr)

Gene: SKI (SKI proto-oncogene; plus strand). Cytogenetic location: 1p36.33.
Variant type: single nucleotide variant.
Coding change: c.154G>A on transcript NM_003036.4 (MANE Select); coding-DNA position 154, G replaced by A.
Protein change: p.Ala52Thr; replaces alanine 52 with threonine.
Molecular consequence: missense variant.
Genome position (GRCh38, 1-based): chr1:2,228,920, G>A. VCF-style: chr1-2228920-G-A. GRCh37 (hg19) VCF-style: chr1-2160359-G-A.
Other names: short protein forms A52T.
Identifiers: ClinVar variation 3442317 (VCV003442317.2).

ClinVar aggregate classification (germline): Uncertain significance (1 of 4 stars; one submission).

Conditions:
Familial thoracic aortic aneurysm and aortic dissection (TAAD). Also called: Thoracic aortic aneurysms and dissections. Identifiers: Orphanet 91387, MedGen C4707243, MONDO:0019625.

Submission:

Ambry Genetics
Classification: Uncertain significance for Familial thoracic aortic aneurysm and aortic dissection. Last evaluated: 2026-05-28. Review status: criteria provided, single submitter. Criteria: Ambry Variant Classification Scheme 2023. Collection method: clinical testing. Allele origin: germline.
Comment: The p.A52T variant (also known as c.154G>A), located in coding exon 1 of the SKI gene, results from a G to A substitution at nucleotide position 154. The alanine at codon 52 is replaced by threonine, an amino acid with similar properties. This amino acid position is conserved. In addition, this alteration is predicted to be tolerated by in silico analysis. Based on the available evidence, the clinical significance of this variant remains unclear.